The following is an entry in ClinVar:

NM_016203.4(PRKAG2):c.392C>A (p.Ser131Tyr)

Gene: PRKAG2 (protein kinase AMP-activated non-catalytic subunit gamma 2; minus strand). Cytogenetic location: 7q36.1.
Variant type: single nucleotide variant.
Coding change: c.392C>A on transcript NM_016203.4 (MANE Select); coding-DNA position 392, C replaced by A.
Protein change: p.Ser131Tyr; replaces serine 131 with tyrosine.
Molecular consequence: missense variant. On other transcripts: intron variant (1).
Genome position (GRCh38, 1-based): chr7:151,781,226, G>T on the plus strand (C>A on the coding strand, the complement: PRKAG2 is on the minus strand). VCF-style: chr7-151781226-G-T. GRCh37 (hg19) VCF-style: chr7-151478312-G-T.
Other names: c.260C>A, p.Ser87Tyr (NM_001040633.2, NM_001407024.1, NM_001407026.1 and 2 more transcripts); c.392C>A, p.Ser131Tyr (NM_001407021.1, NM_001407022.1, NM_001407023.1 and 2 more transcripts); c.148+33190C>A (NM_001407032.1); short protein forms S131Y, S87Y.
Identifiers: ClinVar variation 3073233 (VCV003073233.2), dbSNP rs2537921670, ClinGen allele CA370069448.
Genomic context (GRCh38, chr7:151,781,226, plus strand): 5'-GAGAAAAACCTGATGCCCCCGGGCGAGGTAGCAGGGTTGGAGTTGGGGGAAGACTCTTTG[G>T]AGGAGGAGCGGAAGATCCCACTGAAGCTCATGCGTCGAGGGGAGCGTGGCGGGGACTCCT-3'
Protein context (NP_057287.2, residues 121-141): MSFSGIFRSS[Ser131Tyr]KESSPNSNPA

ClinVar aggregate classification (germline): Uncertain significance (1 of 4 stars; one submission).

Conditions:
Hypertrophic cardiomyopathy. Also called: HYPERTROPHIC MYOCARDIOPATHY. Identifiers: Orphanet 217569, MedGen C0007194, MeSH D002312, MONDO:0005045, HP:0001639.

Submission:

All of Us Research Program, National Institutes of Health
Classification: Uncertain significance for Hypertrophic cardiomyopathy. Last evaluated: 2024-08-06. Review status: criteria provided, single submitter. Criteria: ACMG Guidelines, 2015. Collection method: clinical testing. Allele origin: germline. Inheritance: Autosomal dominant inheritance. Observed: 2 variant alleles, 2 heterozygotes.
Comment: This missense variant replaces serine with tyrosine at codon 131 of the PRKAG2 protein. Computational prediction suggests that this variant may not impact protein structure and function (internally defined REVEL score threshold <= 0.5, PMID: 27666373). To our knowledge, functional studies have not been reported for this variant. This variant has not been reported in individuals affected with PRKAG2-related disorders in the literature. This variant has not been identified in the general population by the Genome Aggregation Database (gnomAD). The available evidence is insufficient to determine the role of this variant in disease conclusively. Therefore, this variant is classified as a Variant of Uncertain Significance.

This study involves interpretation of variants in research participants for the purpose of population health screening. Participant phenotype was not available at the time of variant classification. Additional details can be found in publication PMID: 35346344, PMCID: PMC8962531